The following is an entry in ClinVar:

NM_138459.5(NUS1):c.105G>T (p.Trp35Cys)

Gene: NUS1 (NUS1 dehydrodolichyl diphosphate synthase subunit; plus strand). Cytogenetic location: 6q22.1.
Variant type: single nucleotide variant.
Coding change: c.105G>T on transcript NM_138459.5 (MANE Select); coding-DNA position 105, G replaced by T.
Protein change: p.Trp35Cys; replaces tryptophan 35 with cysteine.
Molecular consequence: missense variant.
Genome position (GRCh38, 1-based): chr6:117,675,775, G>T. VCF-style: chr6-117675775-G-T. GRCh37 (hg19) VCF-style: chr6-117996938-G-T.
Other names: short protein forms W35C.
Identifiers: ClinVar variation 2087325 (VCV002087325.4), dbSNP rs1251248891, ClinGen allele CA365535911.

ClinVar aggregate classification (germline): Uncertain significance (1 of 4 stars; one submission).

Conditions:
Congenital disorder of glycosylation, type Iaa. Also called: Congenital disorder of glycosylation, type 1aa. Identifiers: MedGen C4310727, MONDO:0014904, OMIM 617082.

Submission:

Labcorp Genetics (formerly Invitae), Labcorp
Classification: Uncertain significance for Congenital disorder of glycosylation, type Iaa. Last evaluated: 2022-01-17. Review status: criteria provided, single submitter. Criteria: Invitae Variant Classification Sherloc (09022015). Collection method: clinical testing. Allele origin: germline.
Comment: In summary, the available evidence is currently insufficient to determine the role of this variant in disease. Therefore, it has been classified as a Variant of Uncertain Significance. Algorithms developed to predict the effect of missense changes on protein structure and function are either unavailable or do not agree on the potential impact of this missense change (SIFT: "Deleterious"; PolyPhen-2: "Benign"; Align-GVGD: "Class C0"). This variant has not been reported in the literature in individuals affected with NUS1-related conditions. This variant is not present in population databases (gnomAD no frequency). This sequence change replaces tryptophan, which is neutral and slightly polar, with cysteine, which is neutral and slightly polar, at codon 35 of the NUS1 protein (p.Trp35Cys).